The following is an entry in ClinVar:

NM_001040108.2(MLH3):c.4318A>G (p.Arg1440Gly)

Gene: MLH3 (mutL homolog 3; minus strand). Cytogenetic location: 14q24.3.
Variant type: single nucleotide variant.
Coding change: c.4318A>G on transcript NM_001040108.2 (MANE Select); coding-DNA position 4318, A replaced by G.
Protein change: p.Arg1440Gly; replaces arginine 1440 with glycine.
Molecular consequence: missense variant.
Genome position (GRCh38, 1-based): chr14:75,017,126, T>C on the plus strand (A>G on the coding strand, the complement: MLH3 is on the minus strand). VCF-style: chr14-75017126-T-C. GRCh37 (hg19) VCF-style: chr14-75483829-T-C.
Other names: c.4246A>G, p.Arg1416Gly (NM_014381.3); short protein forms R1416G, R1440G.
Identifiers: ClinVar variation 2448679 (VCV002448679.2), dbSNP rs2503032231, ClinGen allele CA390417731.

ClinVar aggregate classification (germline): Uncertain significance (1 of 4 stars; one submission).

Submission:

Ambry Genetics
Classification: Uncertain significance. Last evaluated: 2023-03-03. Review status: criteria provided, single submitter. Criteria: Ambry Variant Classification Scheme 2023. Collection method: clinical testing. Allele origin: germline.
Comment: The p.R1440G variant (also known as c.4318A>G), located in coding exon 12 of the MLH3 gene, results from an A to G substitution at nucleotide position 4318. The arginine at codon 1440 is replaced by glycine, an amino acid with dissimilar properties. This amino acid position is conserved. In addition, this alteration is predicted to be tolerated by in silico analysis. Since supporting evidence is limited at this time, the clinical significance of this alteration remains unclear.